The following is an entry in ClinVar:

NM_001035.3(RYR2):c.5663G>T (p.Arg1888Leu)

Gene: RYR2 (ryanodine receptor 2; plus strand). Cytogenetic location: 1q43.
Variant type: single nucleotide variant.
Coding change: c.5663G>T on transcript NM_001035.3 (MANE Select); coding-DNA position 5663, G replaced by T.
Protein change: p.Arg1888Leu; replaces arginine 1888 with leucine.
Molecular consequence: missense variant.
Genome position (GRCh38, 1-based): chr1:237,614,791, G>T. VCF-style: chr1-237614791-G-T. GRCh37 (hg19) VCF-style: chr1-237778091-G-T.
Other names: short protein forms R1888L.
Identifiers: ClinVar variation 1439101 (VCV001439101.7), dbSNP rs869025511, ClinGen allele CA345405725.

ClinVar aggregate classification (germline): Uncertain significance (1 of 4 stars; one submission).

Conditions:
Catecholaminergic polymorphic ventricular tachycardia 1. Also called: VENTRICULAR TACHYCARDIA, CATECHOLAMINERGIC POLYMORPHIC, 1, WITH OR WITHOUT ATRIAL DYSFUNCTION AND/OR DILATED CARDIOMYOPATHY; RYR2-Related Catecholaminergic Polymorphic Ventricular Tachycardia; VENTRICULAR TACHYCARDIA, STRESS-INDUCED POLYMORPHIC 1. Identifiers: Orphanet 3286, MedGen C1631597, MONDO:0011484, OMIM 604772.

Submission:

Labcorp Genetics (formerly Invitae), Labcorp
Classification: Uncertain significance for Catecholaminergic polymorphic ventricular tachycardia 1. Last evaluated: 2022-03-08. Review status: criteria provided, single submitter. Criteria: Invitae Variant Classification Sherloc (09022015). Collection method: clinical testing. Allele origin: germline.
Comment: This sequence change replaces arginine, which is basic and polar, with leucine, which is neutral and non-polar, at codon 1888 of the RYR2 protein (p.Arg1888Leu). This variant is not present in population databases (gnomAD no frequency). This variant has not been reported in the literature in individuals affected with RYR2-related conditions. Advanced modeling of protein sequence and biophysical properties (such as structural, functional, and spatial information, amino acid conservation, physicochemical variation, residue mobility, and thermodynamic stability) performed at Invitae indicates that this missense variant is not expected to disrupt RYR2 protein function. In summary, the available evidence is currently insufficient to determine the role of this variant in disease. Therefore, it has been classified as a Variant of Uncertain Significance.